The following is an entry in ClinVar:

NM_000338.3(SLC12A1):c.1300G>T (p.Gly434Trp)

Gene: SLC12A1 (solute carrier family 12 member 1; plus strand). Cytogenetic location: 15q21.1.
Variant type: single nucleotide variant.
Coding change: c.1300G>T on transcript NM_000338.3 (MANE Select); coding-DNA position 1300, G replaced by T.
Protein change: p.Gly434Trp; replaces glycine 434 with tryptophan.
Molecular consequence: missense variant.
Genome position (GRCh38, 1-based): chr15:48,241,599, G>T. VCF-style: chr15-48241599-G-T. GRCh37 (hg19) VCF-style: chr15-48533796-G-T.
Other names: c.1300G>T, p.Gly434Trp (NM_001184832.2, NM_001384136.1); short protein forms G434W.
Identifiers: ClinVar variation 5019799 (VCV005019799.2).

ClinVar aggregate classification (germline): Uncertain significance (1 of 4 stars; one submission).

Conditions:
Bartter disease type 1. Also called: Bartter syndrome, type 1, antenatal; Bartter Syndrome type 1; HYPOKALEMIC ALKALOSIS WITH HYPERCALCIURIA 1, ANTENATAL; HYPERPROSTAGLANDIN E SYNDROME 1. Identifiers: Orphanet 112, Orphanet 620217, MedGen C1866495, MONDO:0100344, OMIM 601678, MONDO:0011127.

Submission:

Juno Genomics, Hangzhou Juno Genomics, Inc
Classification: Uncertain significance for Bartter disease type 1. Review status: criteria provided, single submitter. Criteria: ACMG Guidelines, 2015. Collection method: clinical testing. Allele origin: germline.
Comment: Absent from controls (or at extremely low frequency if recessive) in Genome Aggregation Database.;Multiple lines of computational evidence support a deleterious effect on the gene or gene product.;Patient's phenotype or family history is highly specific for a disease with a single genetic etiology.